The following is an entry in ClinVar:

NM_021008.4(DEAF1):c.29_30delinsCC (p.Gln10Pro)

Gene: DEAF1 (DEAF1 transcription factor; minus strand). Cytogenetic location: 11p15.5.
Variant type: Indel.
Coding change: c.29_30delinsCC on transcript NM_021008.4 (MANE Select); coding-DNA positions 29 to 30, AG replaced by CC.
Protein change: p.Gln10Pro; replaces glutamine 10 with proline.
Molecular consequence: missense variant. On other transcripts: intron variant (1).
Genome position (GRCh38, 1-based): chr11:695,018-695,019, CT replaced by GG on the plus strand (AG replaced by CC on the coding strand, the reverse complement: DEAF1 is on the minus strand). VCF-style: chr11-695018-CT-GG. GRCh37 (hg19) VCF-style: chr11-695018-CT-GG.
Other names: c.29_30delAGinsCC, p.Gln10Pro (NM_001293634.2); c.-437-3421_-437-3420delinsCC (NM_001367390.1); short protein forms Q10P.
Identifiers: ClinVar variation 1502194 (VCV001502194.6), dbSNP rs2133440427, ClinGen allele CA2573147085.

ClinVar aggregate classification (germline): Uncertain significance (1 of 4 stars; one submission).

Submission:

Labcorp Genetics (formerly Invitae), Labcorp
Classification: Uncertain significance. Last evaluated: 2025-12-13. Review status: criteria provided, single submitter. Criteria: Invitae Variant Classification Sherloc (09022015). Collection method: clinical testing. Allele origin: germline.
Comment: This sequence change replaces glutamine, which is neutral and polar, with proline, which is neutral and non-polar, at codon 10 of the DEAF1 protein (p.Gln10Pro). Information on the frequency of this variant in the gnomAD database is not available, as this variant may be reported differently in the database. This variant has not been reported in the literature in individuals affected with DEAF1-related conditions. ClinVar contains an entry for this variant (Variation ID: 1502194). An algorithm developed to predict the effect of missense changes on protein structure and function (PolyPhen-2) suggests that this variant is likely to be disruptive. In summary, the available evidence is currently insufficient to determine the role of this variant in disease. Therefore, it has been classified as a Variant of Uncertain Significance.